The following is an entry in ClinVar:

ClinVar aggregate classification (germline): Likely pathogenic (1 of 4 stars; one submission).

Conditions:
Fanconi anemia complementation group O. Also called: RAD51C-Related Fanconi Anemia. Identifiers: Orphanet 84, MedGen C3150653, MONDO:0013248, OMIM 613390.

Submission:

Labcorp Genetics (formerly Invitae), Labcorp
Classification: Likely pathogenic for Fanconi anemia complementation group O. Last evaluated: 2021-05-25. Review status: criteria provided, single submitter. Criteria: Invitae Variant Classification Sherloc (09022015). Collection method: clinical testing. Allele origin: germline.
Comment: This variant results in a copy number gain of the genomic region encompassing exon(s) 4 of the RAD51C gene. While the exact position of this variant cannot be determined from the data, sub-genic copy number gains are generally in tandem (PMID: 25640679). This variant is predicted to be out-of-frame, and may result in an absent or disrupted protein product. Loss-of-function variants in RAD51C are known to be pathogenic (PMID: 20400964, 21990120, 24800917). This variant has not been reported in the literature in individuals with RAD51C-related conditions. In summary, the currently available evidence indicates that the variant is pathogenic, but additional data are needed to prove that conclusively. Therefore, this variant has been classified as Likely Pathogenic.

Literature cited by the submitters: PubMed 25640679; PubMed 20400964; PubMed 21990120; PubMed 24800917.

NC_000017.11:g.(?_58703186)_(58703339_?)dup

Gene: RAD51C (RAD51 paralog C; plus strand). Cytogenetic location: 17q22.
Variant type: Duplication.
Identifiers: ClinVar variation 832032 (VCV000832032.2).